The following is an entry in ClinVar:

ClinVar aggregate classification (germline): Uncertain significance. Review status: reviewed by expert panel (3 of 4 stars). 2 submissions from 2 submitters: Uncertain significance (1). 1 of the submissions does not count toward it. Last evaluated 2026-05-27.

Conditions:
Inborn genetic diseases. Identifiers: MedGen C0950123, MeSH D030342.
Hereditary thrombocytopenia and hematologic cancer predisposition syndrome. Identifiers: Orphanet 71290, MedGen CN281654, MONDO:0011071.

Submissions (2):

ClinGen Myeloid Malignancy Variant Curation Expert Panel
Classification: Uncertain significance for Hereditary thrombocytopenia and hematologic cancer predisposition syndrome. Last evaluated: 2026-05-27. Review status: reviewed by expert panel. Criteria: ClinGen MyeloMalig ACMG Specifications V3.1. Collection method: curation. Allele origin: germline. Inheritance: Autosomal dominant inheritance.
Comment: NM_001754.5(RUNX1):c.794G>A (p.Ser265Asn) is a missense variant which is completely absent from all population databases with at least 20x coverage for RUNX1 (PM2_Supporting). This missense variant has a REVEL score < 0.50 (0.422) and a SpliceAI score ≤ 0.20 (0.01) (BP4). In summary, the clinical significance of this variant is uncertain. ACMG/AMP criteria applied, as specified by the Myeloid Malignancy Variant Curation Expert Panel for RUNX1: PM2_Supporting, BP4.

Ambry Genetics
Classification: Uncertain significance for Inborn genetic diseases. Last evaluated: 2025-05-05. Review status: criteria provided, single submitter. Criteria: Ambry Variant Classification Scheme 2023. Collection method: clinical testing. Allele origin: germline. Not counted in ClinVar's aggregate classification.
Comment: The p.S265N variant (also known as c.794G>A), located in coding exon 6 of the RUNX1 gene, results from a G to A substitution at nucleotide position 794. The serine at codon 265 is replaced by asparagine, an amino acid with highly similar properties. This amino acid position is conserved. In addition, the in silico prediction for this alteration is inconclusive. Based on the available evidence, the clinical significance of this variant remains unclear.

NM_001754.5(RUNX1):c.794G>A (p.Ser265Asn)

Gene: RUNX1 (RUNX family transcription factor 1; minus strand). Cytogenetic location: 21q22.12.
Variant type: single nucleotide variant.
Coding change: c.794G>A on transcript NM_001754.5 (MANE Select); coding-DNA position 794, G replaced by A.
Protein change: p.Ser265Asn; replaces serine 265 with asparagine.
Molecular consequence: missense variant.
Genome position (GRCh38, 1-based): chr21:34,834,421, C>T on the plus strand (G>A on the coding strand, the complement: RUNX1 is on the minus strand). VCF-style: chr21-34834421-C-T. GRCh37 (hg19) VCF-style: chr21-36206718-C-T.
Other names: NM_001754.5(RUNX1):c.794G>A; p.Ser265Asn; c.713G>A, p.Ser238Asn (NM_001001890.3, NM_001122607.2); short protein forms S238N, S265N.
Identifiers: ClinVar variation 3948876 (VCV003948876.2).
Genomic context (GRCh38, chr21:34,834,421, plus strand): 5'-GTGGCCCAGGTGCAGGAGAGGCGGGCAGTGGGCTCCATCTGGTACTTACCCTGCATCTGA[C>T]TCTGAGGCTGAGGGTTAAAGGCAGTGGAGTGGTTCAGGGAGGCACGAGGGTTGGGCGTGG-3'
Protein context (NP_001745.2, residues 255-275): HSTAFNPQPQ[Ser265Asn]QMQDTRQIQP